The following is an entry in ClinVar:

ClinVar aggregate classification (germline): Uncertain significance (1 of 4 stars; one submission).

Submission:

Athena Diagnostics
Classification: Uncertain significance. Last evaluated: 2024-09-30. Review status: criteria provided, single submitter. Criteria: Athena Diagnostics Criteria. Collection method: clinical testing. Allele origin: unknown.
Comment: Available data are insufficient to determine the clinical significance of the variant at this time. This variant has not been reported in large, multi-ethnic general populations. Computational tools yielded predictions that this variant is unlikely to have an effect on normal RNA splicing.

NM_001127222.2(CACNA1A):c.5361_5366del (p.1787YF[1])

Gene: CACNA1A (calcium voltage-gated channel subunit alpha1 A; minus strand). Cytogenetic location: 19p13.13.
Variant type: Deletion.
Coding change: c.5361_5366del on transcript NM_001127222.2 (MANE Select); coding-DNA positions 5361 to 5366, 6 bases deleted (TTTTTA; older notation c.5361_5366delTTTTTA).
Protein change: p.1787YF[1].
Genome position (GRCh38, 1-based): chr19:13,231,744-13,231,749, TAAAAA deleted on the plus strand (TTTTTA on the coding strand, the reverse complement: CACNA1A is on the minus strand); deleting any 6 consecutive bases within chr19:13,231,744-13,231,752 gives the same sequence; the c. name uses the placement nearest the transcript's 3' end. VCF-style (leftmost placement, unchanged base first): chr19-13231743-GTAAAAA-G. GRCh37 (hg19) VCF-style: chr19-13342557-GTAAAAA-G.
Other names: c.5379_5384del, p.1793YF[1] (NM_000068.4, NM_023035.3); c.5364_5369del, p.1788YF[1] (NM_001127221.2); c.5370_5375del, p.1790YF[1] (NM_001174080.2).
Identifiers: ClinVar variation 3571752 (VCV003571752.1).